The following is an entry in ClinVar:

ClinVar aggregate classification (germline): Conflicting classifications of pathogenicity. Review status: criteria provided, conflicting classifications (1 of 4 stars). 3 submissions from 3 submitters: Uncertain significance (2); Likely benign (1). Last evaluated 2025-03-13.

Conditions:
Inborn genetic diseases. Identifiers: MedGen C0950123, MeSH D030342.

Allele frequency attached by ClinVar (database versions not stated): gnomAD exomes below 0.00001; ExAC 0.00001; gnomAD 0.00001; TOPMed 0.00001.

Submissions (3):

GeneDx
Classification: Uncertain significance. Last evaluated: 2025-03-13. Review status: criteria provided, single submitter. Criteria: GeneDx Variant Classification Process June 2021. Collection method: clinical testing. Allele origin: germline. Affected: yes.
Comment: Not observed at significant frequency in large population cohorts (gnomAD); In silico analysis indicates that this missense variant does not alter protein structure/function; Has not been previously published as pathogenic or benign to our knowledge

Labcorp Genetics (formerly Invitae), Labcorp
Classification: Uncertain significance. Last evaluated: 2025-01-06. Review status: criteria provided, single submitter. Criteria: Invitae Variant Classification Sherloc (09022015). Collection method: clinical testing. Allele origin: germline.
Comment: This sequence change replaces glycine, which is neutral and non-polar, with arginine, which is basic and polar, at codon 4759 of the USH2A protein (p.Gly4759Arg). The frequency data for this variant in the population databases is considered unreliable, as metrics indicate poor data quality at this position in the gnomAD database. This variant has not been reported in the literature in individuals affected with USH2A-related conditions. ClinVar contains an entry for this variant (Variation ID: 2155703). Invitae Evidence Modeling of protein sequence and biophysical properties (such as structural, functional, and spatial information, amino acid conservation, physicochemical variation, residue mobility, and thermodynamic stability) indicates that this missense variant is not expected to disrupt USH2A protein function with a negative predictive value of 95%. In summary, the available evidence is currently insufficient to determine the role of this variant in disease. Therefore, it has been classified as a Variant of Uncertain Significance.

Ambry Genetics
Classification: Likely benign for Inborn genetic diseases. Last evaluated: 2022-06-21. Review status: criteria provided, single submitter. Criteria: Ambry Variant Classification Scheme 2023. Collection method: clinical testing. Allele origin: germline.

NM_206933.4(USH2A):c.14275G>A (p.Gly4759Arg)

Gene: USH2A (usherin; minus strand). Cytogenetic location: 1q41.
Variant type: single nucleotide variant.
Coding change: c.14275G>A on transcript NM_206933.4 (MANE Select); coding-DNA position 14275, G replaced by A.
Protein change: p.Gly4759Arg; replaces glycine 4759 with arginine.
Molecular consequence: missense variant.
Genome position (GRCh38, 1-based): chr1:215,650,660, C>T on the plus strand (G>A on the coding strand, the complement: USH2A is on the minus strand). VCF-style: chr1-215650660-C-T. GRCh37 (hg19) VCF-style: chr1-215824002-C-T.
Other names: c.14275G>A (NM_206933.2); short protein forms G4759R.
Identifiers: ClinVar variation 2155703 (VCV002155703.4), dbSNP rs760126706, ClinGen allele CA1393075.